The following is an entry in ClinVar:

ClinVar aggregate classification (germline): Uncertain significance (1 of 4 stars; one submission).

Submission:

Labcorp Genetics (formerly Invitae), Labcorp
Classification: Uncertain significance. Last evaluated: 2025-12-14. Review status: criteria provided, single submitter. Criteria: Invitae Variant Classification Sherloc (09022015). Collection method: clinical testing. Allele origin: germline.
Comment: This sequence change replaces alanine, which is neutral and non-polar, with valine, which is neutral and non-polar, at codon 1814 of the POLE protein (p.Ala1814Val). This variant is not present in population databases (gnomAD no frequency). This variant has not been reported in the literature in individuals affected with POLE-related conditions. ClinVar contains an entry for this variant (Variation ID: 844199). Invitae Evidence Modeling of protein sequence and biophysical properties (such as structural, functional, and spatial information, amino acid conservation, physicochemical variation, residue mobility, and thermodynamic stability) indicates that this missense variant is expected to disrupt POLE protein function with a positive predictive value of 80%. In summary, the available evidence is currently insufficient to determine the role of this variant in disease. Therefore, it has been classified as a Variant of Uncertain Significance.

NM_006231.4(POLE):c.5441C>T (p.Ala1814Val)

Gene: POLE (DNA polymerase epsilon, catalytic subunit; minus strand). Cytogenetic location: 12q24.33.
Variant type: single nucleotide variant.
Coding change: c.5441C>T on transcript NM_006231.4 (MANE Select); coding-DNA position 5441, C replaced by T.
Protein change: p.Ala1814Val; replaces alanine 1814 with valine.
Molecular consequence: missense variant.
Genome position (GRCh38, 1-based): chr12:132,639,236, G>A on the plus strand (C>T on the coding strand, the complement: POLE is on the minus strand). VCF-style: chr12-132639236-G-A. GRCh37 (hg19) VCF-style: chr12-133215822-G-A.
Other names: short protein forms A1814V.
Identifiers: ClinVar variation 844199 (VCV000844199.9), dbSNP rs2042093347, ClinGen allele CA387374816.